The following is an entry in ClinVar:

NM_021614.4(KCNN2):c.817T>G (p.Ser273Ala)

Gene: KCNN2 (potassium calcium-activated channel subfamily N member 2; plus strand). Cytogenetic location: 5q22.3.
Variant type: single nucleotide variant.
Coding change: c.817T>G on transcript NM_021614.4 (MANE Select); coding-DNA position 817, T replaced by G.
Protein change: p.Ser273Ala; replaces serine 273 with alanine.
Molecular consequence: missense variant. On other transcripts: non-coding transcript variant (1).
Genome position (GRCh38, 1-based): chr5:114,362,956, T>G. VCF-style: chr5-114362956-T-G. GRCh37 (hg19) VCF-style: chr5-113698653-T-G.
Other names: c.1015T>G, p.Ser339Ala (NM_001372233.1); short protein forms S273A, S339A.
Identifiers: ClinVar variation 4682048 (VCV004682048.5).

ClinVar aggregate classification (germline): Uncertain significance (1 of 4 stars; one submission).

Submission:

CeGaT Center for Human Genetics Tuebingen
Classification: Uncertain significance. Last evaluated: 2025-12-01. Review status: criteria provided, single submitter. Criteria: CeGaT Center For Human Genetics Tuebingen Variant Classification Criteria Version 2. Collection method: clinical testing. Allele origin: germline. Affected: yes. Observed: 1 variant allele.
Comment: KCNN2: PM2, PP3